The following is an entry in ClinVar:

ClinVar aggregate classification (germline): Uncertain significance (1 of 4 stars; one submission).

Allele frequency attached by ClinVar (database versions not stated): gnomAD exomes below 0.00001.

Submission:

Labcorp Genetics (formerly Invitae), Labcorp
Classification: Uncertain significance. Last evaluated: 2023-09-27. Review status: criteria provided, single submitter. Criteria: Invitae Variant Classification Sherloc (09022015). Collection method: clinical testing. Allele origin: germline.
Comment: This variant is not present in population databases (gnomAD no frequency). This sequence change replaces isoleucine, which is neutral and non-polar, with threonine, which is neutral and polar, at codon 691 of the MCM4 protein (p.Ile691Thr). This variant has not been reported in the literature in individuals affected with MCM4-related conditions. ClinVar contains an entry for this variant (Variation ID: 1996811). Advanced modeling of protein sequence and biophysical properties (such as structural, functional, and spatial information, amino acid conservation, physicochemical variation, residue mobility, and thermodynamic stability) performed at Invitae indicates that this missense variant is expected to disrupt MCM4 protein function. In summary, the available evidence is currently insufficient to determine the role of this variant in disease. Therefore, it has been classified as a Variant of Uncertain Significance.

NM_182746.3(MCM4):c.2072T>C (p.Ile691Thr)

Gene: MCM4 (minichromosome maintenance complex component 4; plus strand). Cytogenetic location: 8q11.21.
Variant type: single nucleotide variant.
Coding change: c.2072T>C on transcript NM_182746.3 (MANE Select); coding-DNA position 2072, T replaced by C.
Protein change: p.Ile691Thr; replaces isoleucine 691 with threonine.
Molecular consequence: missense variant.
Genome position (GRCh38, 1-based): chr8:47,973,000, T>C. VCF-style: chr8-47973000-T-C. GRCh37 (hg19) VCF-style: chr8-48885560-T-C.
Other names: c.2072T>C, p.Ile691Thr (NM_005914.4); short protein forms I691T.
Identifiers: ClinVar variation 1996811 (VCV001996811.4), dbSNP rs2551885010, ClinGen allele CA371154782.